The following is an entry in ClinVar:

NM_198576.4(AGRN):c.3021T>C (p.Ala1007=)

Gene: AGRN (agrin; plus strand). Cytogenetic location: 1p36.33.
Variant type: single nucleotide variant.
Coding change: c.3021T>C on transcript NM_198576.4 (MANE Select); coding-DNA position 3021, T replaced by C.
Protein change: p.Ala1007=; no amino-acid change (alanine 1007 retained).
Molecular consequence: synonymous variant.
Genome position (GRCh38, 1-based): chr1:1,046,506, T>C. VCF-style: chr1-1046506-T-C. GRCh37 (hg19) VCF-style: chr1-981886-T-C.
Other names: c.3021T>C, p.Ala1007= (NM_001305275.2); c.2706T>C, p.Ala902= (NM_001364727.2).
Identifiers: ClinVar variation 2498387 (VCV002498387.28), dbSNP rs1448906119, ClinGen allele CA415757825.
Genomic context (GRCh38, chr1:1,046,506, plus strand): 5'-CACCCCAGGGCTCCTCCTGAGCCAGGCACTGCCGGCCCCCCCCGGCGCCCTCCCCCTGGC[T>C]CCCAGCAGTACCGCACACAGCCAGACCACCCCTCCGCCCTCATCACGACCTCGGACCACT-3'
Protein context (NP_940978.2, residues 997-1017): LPAPPGALPL[Ala1007=]PSSTAHSQTT

ClinVar aggregate classification (germline): Likely benign (1 of 4 stars; one submission).

gnomAD v4.1: 1 of 1,586,246 alleles (0.000063%); highest among the groups gnomAD compares: Non-Finnish European, 0.000086%; no homozygotes.

Submission:

CeGaT Center for Human Genetics Tuebingen
Classification: Likely benign. Last evaluated: 2023-03-01. Review status: criteria provided, single submitter. Criteria: CeGaT Center For Human Genetics Tuebingen Variant Classification Criteria Version 2. Collection method: clinical testing. Allele origin: germline. Affected: yes. Observed: 1 variant allele.
Comment: AGRN: PM2:Supporting, BP4, BP7